The following is an entry in ClinVar:

NM_000426.4(LAMA2):c.3071A>T (p.Asp1024Val)

Gene: LAMA2 (laminin subunit alpha 2; plus strand). Cytogenetic location: 6q22.33.
Variant type: single nucleotide variant.
Coding change: c.3071A>T on transcript NM_000426.4 (MANE Select); coding-DNA position 3071, A replaced by T.
Protein change: p.Asp1024Val; replaces aspartic acid 1024 with valine.
Molecular consequence: missense variant.
Genome position (GRCh38, 1-based): chr6:129,300,769, A>T. VCF-style: chr6-129300769-A-T. GRCh37 (hg19) VCF-style: chr6-129621914-A-T.
Other names: c.3071A>T, p.Asp1024Val (NM_001079823.2); short protein forms D1024V.
Identifiers: ClinVar variation 5041779 (VCV005041779.1).
Genomic context (GRCh38, chr6:129,300,769, plus strand): 5'-TTTGTTTTCCCTCTTATACCGGTGAAGCTTGTGAATGTTCTCATCTGGGTAATAATTGTG[A>T]CCCAAAGACTGGGCGATGCATTTGCCCTCCCAATACCATTGGAGAGAAATGTTCTAAATG-3'
Protein context (NP_000417.3, residues 1014-1034): CECSHLGNNC[Asp1024Val]PKTGRCICPP

ClinVar aggregate classification (germline): Uncertain significance (1 of 4 stars; one submission).

gnomAD v4.1: 1 of 1,613,778 alleles (0.000062%); highest among the groups gnomAD compares: Non-Finnish European, 0.000085%; no homozygotes.

Submission:

CeGaT Center for Human Genetics Tuebingen
Classification: Uncertain significance. Last evaluated: 2026-09-01. Review status: criteria provided, single submitter. Criteria: CeGaT Center For Human Genetics Tuebingen Variant Classification Criteria Version 2. Collection method: clinical testing. Allele origin: germline. Affected: yes. Observed: 1 variant allele.
Comment: LAMA2: PM2